The following is an entry in ClinVar:

ClinVar aggregate classification (germline): Conflicting classifications of pathogenicity. Review status: criteria provided, conflicting classifications (1 of 4 stars). 9 submissions from 9 submitters: Uncertain significance (1); Benign (1); Likely benign (5). 2 of the submissions do not count toward it. Last evaluated 2026-02-03.

Conditions:
VPS13B-related disorder. Also called: VPS13B-related condition.
Inborn genetic diseases. Identifiers: MedGen C0950123, MeSH D030342.
Cohen syndrome (COH1). Also called: PEPPER SYNDROME; Cutis verticis gyrata, retinitis pigmentosa, and sensorineural deafness. Identifiers: Orphanet 193, MedGen C0265223, MONDO:0008999, OMIM 216550.

Allele frequency attached by ClinVar (database versions not stated): ESP Exome Variant Server 0.00154; gnomAD 0.00215 and 0.00201; TOPMed 0.00232; gnomAD exomes 0.00018 and 0.00051; ExAC 0.00060; 1000 Genomes Project 0.00200; 1000 Genomes Project 30x 0.00219.
gnomAD v4.1: 586 of 1,613,554 alleles (0.036%); highest among the groups gnomAD compares: African/African-American, 0.66%; 1 homozygote.

Submissions (9):

Women's Health and Genetics/Laboratory Corporation of America, LabCorp
Classification: Likely benign. Last evaluated: 2026-02-03. Review status: criteria provided, single submitter. Criteria: LabCorp Variant Classification Summary - May 2015. Collection method: clinical testing. Allele origin: germline.
Comment: Variant summary: VPS13B c.10819A>G (p.Ile3607Val) results in a conservative amino acid change in the encoded protein sequence. Algorithms developed to predict the effect of missense changes on protein structure and function are either unavailable or do not agree on the potential impact of this missense change. The variant allele was found at a frequency of 0.00051 in 251348 control chromosomes, predominantly at a frequency of 0.0064 within the African or African-American subpopulation in the gnomAD database. The observed variant frequency within African or African-American control individuals in the gnomAD database exceeds the estimated maximal expected allele frequency for disease-causing variants in VPS13B. To our knowledge, no occurrence of c.10819A>G in individuals affected with VPS13B-related conditions and no experimental evidence demonstrating its impact on protein function have been reported. ClinVar contains an entry for this variant (Variation ID: 95824). Based on the evidence outlined above, the variant was classified as likely benign.

Labcorp Genetics (formerly Invitae), Labcorp
Classification: Likely benign for Cohen syndrome. Last evaluated: 2026-02-01. Review status: criteria provided, single submitter. Criteria: Invitae Variant Classification Sherloc (09022015). Collection method: clinical testing. Allele origin: germline.

Mayo Clinic Laboratories, Mayo Clinic
Classification: Likely benign. Last evaluated: 2025-08-14. Review status: criteria provided, single submitter. Criteria: ACMG Guidelines, 2015. Collection method: clinical testing. Allele origin: germline. Observed: 7 variant alleles.
Comment: BS1, BP1, BP4

Blueprint Genetics
Classification: Likely benign. Last evaluated: 2024-03-05. Review status: criteria provided, single submitter. Criteria: ACMG Guidelines, 2015. Collection method: clinical testing. Allele origin: germline.

Genome-Nilou Lab
Classification: Likely benign for Cohen syndrome. Last evaluated: 2021-05-18. Review status: criteria provided, single submitter. Criteria: ACMG Guidelines, 2015. Collection method: clinical testing. Allele origin: germline. Affected: no.

Ambry Genetics
Classification: Benign for Inborn genetic diseases. Last evaluated: 2016-06-21. Review status: criteria provided, single submitter. Criteria: Ambry Variant Classification Scheme 2023. Collection method: clinical testing. Allele origin: germline.

Eurofins Ntd Llc (ga)
Classification: Uncertain significance. Last evaluated: 2013-10-23. Review status: criteria provided, single submitter. Criteria: EGL Classification Definitions 2015. Collection method: clinical testing. Allele origin: germline. Observed: 3 variant alleles, 3 heterozygotes.

Natera, Inc.
Classification: Likely benign for Cohen syndrome. Last evaluated: 2020-01-06. Review status: no assertion criteria provided. Collection method: clinical testing. Allele origin: germline. Not counted in ClinVar's aggregate classification.

PreventionGenetics, part of Exact Sciences
Classification: Likely benign for VPS13B-related condition. Last evaluated: 2019-05-01. Review status: no assertion criteria provided. Collection method: clinical testing. Allele origin: germline. Not counted in ClinVar's aggregate classification.
Comment: This variant is classified as likely benign based on ACMG/AMP sequence variant interpretation guidelines (Richards et al. 2015 PMID: 25741868, with internal and published modifications).

NM_152564.5(VPS13B):c.10744A>G (p.Ile3582Val)

Gene: VPS13B (vacuolar protein sorting 13 homolog B; plus strand). Cytogenetic location: 8q22.2.
Variant type: single nucleotide variant.
Coding change: c.10744A>G on transcript NM_152564.5 (MANE Select); coding-DNA position 10744, A replaced by G.
Protein change: p.Ile3582Val; replaces isoleucine 3582 with valine.
Molecular consequence: missense variant.
Genome position (GRCh38, 1-based): chr8:99,854,133, A>G. VCF-style: chr8-99854133-A-G. GRCh37 (hg19) VCF-style: chr8-100866361-A-G.
Other names: c.10819A>G, p.Ile3607Val (NM_017890.5); c.10744A>G (NM_152564.4); short protein forms I3582V.
Identifiers: ClinVar variation 95824 (VCV000095824.27), dbSNP rs145547375, ClinGen allele CA223343.